The following is an entry in ClinVar:

NM_001486.4(GCKR):c.766G>A (p.Gly256Ser)

Gene: GCKR (glucokinase regulator; plus strand). Cytogenetic location: 2p23.3.
Variant type: single nucleotide variant.
Coding change: c.766G>A on transcript NM_001486.4 (MANE Select); coding-DNA position 766, G replaced by A.
Protein change: p.Gly256Ser; replaces glycine 256 with serine.
Molecular consequence: missense variant.
Genome position (GRCh38, 1-based): chr2:27,505,733, G>A. VCF-style: chr2-27505733-G-A. GRCh37 (hg19) VCF-style: chr2-27728600-G-A.
Other names: short protein forms G256S.
Identifiers: ClinVar variation 2156419 (VCV002156419.4), dbSNP rs8179212, ClinGen allele CA1581723.

ClinVar aggregate classification (germline): Uncertain significance (1 of 4 stars; one submission).

Allele frequency attached by ClinVar (database versions not stated): ExAC 0.00011; gnomAD exomes 0.00011; gnomAD 0.00019.
gnomAD v4.1: 189 of 1,605,466 alleles (0.012%); highest among the groups gnomAD compares: Admixed American, 0.05%; no homozygotes.

Submission:

Labcorp Genetics (formerly Invitae), Labcorp
Classification: Uncertain significance. Last evaluated: 2025-12-29. Review status: criteria provided, single submitter. Criteria: Invitae Variant Classification Sherloc (09022015). Collection method: clinical testing. Allele origin: germline.
Comment: This sequence change replaces glycine, which is neutral and non-polar, with serine, which is neutral and polar, at codon 256 of the GCKR protein (p.Gly256Ser). This variant is present in population databases (rs8179212, gnomAD 0.03%). This variant has not been reported in the literature in individuals affected with GCKR-related conditions. ClinVar contains an entry for this variant (Variation ID: 2156419). Invitae Evidence Modeling of protein sequence and biophysical properties (such as structural, functional, and spatial information, amino acid conservation, physicochemical variation, residue mobility, and thermodynamic stability) indicates that this missense variant is expected to disrupt GCKR protein function with a positive predictive value of 80%. In summary, the available evidence is currently insufficient to determine the role of this variant in disease. Therefore, it has been classified as a Variant of Uncertain Significance.